The following is an entry in ClinVar:

NM_015122.3(FCHO1):c.1094C>T (p.Pro365Leu)

Gene: FCHO1 (FCH and mu domain containing endocytic adaptor 1; plus strand). Cytogenetic location: 19p13.11.
Variant type: single nucleotide variant.
Coding change: c.1094C>T on transcript NM_015122.3 (MANE Select); coding-DNA position 1094, C replaced by T.
Protein change: p.Pro365Leu; replaces proline 365 with leucine.
Molecular consequence: missense variant. On other transcripts: non-coding transcript variant (36).
Genome position (GRCh38, 1-based): chr19:17,776,073, C>T. VCF-style: chr19-17776073-C-T. GRCh37 (hg19) VCF-style: chr19-17886882-C-T.
Other names: c.1094C>T, p.Pro365Leu (NM_001161357.2, NM_001161358.2, NM_001384370.1 and 25 more transcripts); c.944C>T, p.Pro315Leu (NM_001161359.2, NM_001384384.1, NM_001384385.1 and 3 more transcripts); c.1055C>T, p.Pro352Leu (NM_001384388.1, NM_001384389.1, NM_001384405.1); c.1019C>T, p.Pro340Leu (NM_001384390.1); c.1049C>T, p.Pro350Leu (NM_001384403.1); short protein forms P315L, P352L, P350L, P365L, P340L.
Identifiers: ClinVar variation 1495623 (VCV001495623.8), dbSNP rs762690733, ClinGen allele CA9300388.

ClinVar aggregate classification (germline): Uncertain significance (1 of 4 stars; one submission).

Allele frequency attached by ClinVar (database versions not stated): ExAC 0.00001; gnomAD exomes 0.00001.
gnomAD v4.1: 9 of 1,611,548 alleles (0.00056%); highest among the groups gnomAD compares: South Asian, 0.0022%; no homozygotes.

Submission:

Labcorp Genetics (formerly Invitae), Labcorp
Classification: Uncertain significance. Last evaluated: 2025-07-15. Review status: criteria provided, single submitter. Criteria: Invitae Variant Classification Sherloc (09022015). Collection method: clinical testing. Allele origin: germline.
Comment: This sequence change replaces proline, which is neutral and non-polar, with leucine, which is neutral and non-polar, at codon 365 of the FCHO1 protein (p.Pro365Leu). This variant is present in population databases (rs762690733, gnomAD 0.003%). This variant has not been reported in the literature in individuals affected with FCHO1-related conditions. ClinVar contains an entry for this variant (Variation ID: 1495623). An algorithm developed to predict the effect of missense changes on protein structure and function (PolyPhen-2) suggests that this variant is likely to be tolerated. In summary, the available evidence is currently insufficient to determine the role of this variant in disease. Therefore, it has been classified as a Variant of Uncertain Significance.